The following is an entry in ClinVar:

NM_006767.4(LZTR1):c.455T>C (p.Leu152Pro)

Gene: LZTR1 (leucine zipper like post translational regulator 1; plus strand). Cytogenetic location: 22q11.21.
Variant type: single nucleotide variant.
Coding change: c.455T>C on transcript NM_006767.4 (MANE Select); coding-DNA position 455, T replaced by C.
Protein change: p.Leu152Pro; replaces leucine 152 with proline.
Molecular consequence: missense variant.
Genome position (GRCh38, 1-based): chr22:20,988,064, T>C. VCF-style: chr22-20988064-T-C. GRCh37 (hg19) VCF-style: chr22-21342353-T-C.
Other names: short protein forms L152P.
Identifiers: ClinVar variation 280594 (VCV000280594.14), dbSNP rs886041770, ClinGen allele CA10603690.
Genomic context (GRCh38, chr22:20,988,064, plus strand): 5'-ACTCAGGGGGTTACACTGGGGACATTTATTCCAATTCTAACTTGAAGAATAAAAACGACC[T>C]CTTTGAATACAAGTTTGCAACTGGCCAGTGGACGGAGTGGAAAATTGAAGGACGGTGAGA-3'
Protein context (NP_006758.2, residues 142-162): SNSNLKNKND[Leu152Pro]FEYKFATGQW

ClinVar aggregate classification (germline): Uncertain significance. Review status: criteria provided, multiple submitters, no conflicts (2 of 4 stars). 4 submissions from 4 submitters: Uncertain significance (4). Last evaluated 2026-09-22.

Conditions:
Cardiovascular phenotype. Identifiers: MedGen CN230736.
Hereditary cancer-predisposing syndrome. Also called: Tumor predisposition; Hereditary Cancer Syndrome; Neoplastic Syndromes, Hereditary; Hereditary neoplastic syndrome. Identifiers: Orphanet 140162, MedGen C0027672, MeSH D009386, MONDO:0015356.
Primary familial hypertrophic cardiomyopathy (HCM). Identifiers: Orphanet 99739, MedGen C0949658, MeSH D024741, MONDO:0024573. Inheritance: Various modes of inheritance.

Allele frequency attached by ClinVar (database versions not stated): TOPMed 0.00001.

Submissions (4):

Petrovsky National Research Centre of Surgery, The Federal Agency for Scientific Organizations
Classification: Uncertain significance for Primary familial hypertrophic cardiomyopathy. Last evaluated: 2026-09-22. Review status: criteria provided, single submitter. Criteria: ACMG Guidelines, 2015. Collection method: research. Allele origin: unknown. Inheritance: Autosomal dominant inheritance. Affected: yes. Observed: 1 variant allele, 1 heterozygote.
Comment: Clinvar (VCV000280594.13) contains 3 entries for this variant. NM_006767.4:c.455T>C (p. Leu152Pro) is absent in the Genome Aggregation Database (gnomAD) v4.1.0 (Date of access 22-09-2026) (PM2). Computational evidence supports a deleterious effect on the gene or gene product: REVEL score=0.844 (PP3).

Ambry Genetics
Classification: Uncertain significance for Cardiovascular phenotype; Hereditary cancer-predisposing syndrome. Last evaluated: 2022-03-31. Review status: criteria provided, single submitter. Criteria: Ambry Variant Classification Scheme 2023. Collection method: clinical testing. Allele origin: germline.
Comment: The p.L152P variant (also known as c.455T>C), located in coding exon 5 of the LZTR1 gene, results from a T to C substitution at nucleotide position 455. The leucine at codon 152 is replaced by proline, an amino acid with similar properties. This amino acid position is conserved. In addition, this alteration is predicted to be deleterious by in silico analysis. Since supporting evidence is limited at this time, the clinical significance of this alteration remains unclear.

Labcorp Genetics (formerly Invitae), Labcorp
Classification: Uncertain significance. Last evaluated: 2021-08-04. Review status: criteria provided, single submitter. Criteria: Invitae Variant Classification Sherloc (09022015). Collection method: clinical testing. Allele origin: germline.
Comment: Algorithms developed to predict the effect of missense changes on protein structure and function (SIFT, PolyPhen-2, Align-GVGD) all suggest that this variant is likely to be disruptive, but these predictions have not been confirmed by published functional studies and their clinical significance is uncertain. In summary, the available evidence is currently insufficient to determine the role of this variant in disease. Therefore, it has been classified as a Variant of Uncertain Significance. This variant has not been reported in the literature in individuals with LZTR1-related conditions. ClinVar contains an entry for this variant (Variation ID: 280594). This variant is not present in population databases (ExAC no frequency). This sequence change replaces leucine with proline at codon 152 of the LZTR1 protein (p.Leu152Pro). The leucine residue is highly conserved and there is a moderate physicochemical difference between leucine and proline.

GeneDx
Classification: Uncertain significance. Last evaluated: 2016-05-10. Review status: criteria provided, single submitter. Criteria: GeneDx Variant Classification (06012015). Collection method: clinical testing. Allele origin: germline. Affected: yes.
Comment: The L152P variant in the LZTR1 gene has not been reported previously as a pathogenic variant, noras a benign variant, to our knowledge. The L152P variant was not observed in approximately 6500individuals of European and African American ancestry in the NHLBI Exome Sequencing Project,indicating it is not a common benign variant in these populations. The L152P variant is asemi-conservative amino acid substitution, which may impact secondary protein structure as theseresidues differ in some properties. This substitution occurs in one of the kelch domains at a positionthat is conserved across species. In silico analysis predicts this variant is probably damaging to theprotein structure/function. We interpret L152P as a variant of uncertain significance